The following is an entry in ClinVar:

NM_020041.3(SLC2A9):c.403C>A (p.Leu135Ile)

Genes: SLC2A9 (solute carrier family 2 member 9; minus strand), SLC2A9-AS1 (SLC2A9 antisense RNA 1; plus strand). Cytogenetic location: 4p16.1.
Variant type: single nucleotide variant.
Coding change: c.403C>A on transcript NM_020041.3 (MANE Select); coding-DNA position 403, C replaced by A.
Protein change: p.Leu135Ile; replaces leucine 135 with isoleucine.
Molecular consequence: missense variant.
Genome position (GRCh38, 1-based): chr4:9,996,788, G>T on the plus strand (C>A on the coding strand, the complement: SLC2A9 is on the minus strand). VCF-style: chr4-9996788-G-T. GRCh37 (hg19) VCF-style: chr4-9998412-G-T.
Other names: c.316C>A, p.Leu106Ile (NM_001001290.2); c.403C>A (NM_020041.2); short protein forms L106I, L135I.
Identifiers: ClinVar variation 1897759 (VCV001897759.4), dbSNP rs200013912, ClinGen allele CA2857254.

ClinVar aggregate classification (germline): Uncertain significance. Review status: criteria provided, multiple submitters, no conflicts (2 of 4 stars). 2 submissions from 2 submitters: Uncertain significance (2). Last evaluated 2025-08-15.

Conditions:
SLC2A9-related disorder. Also called: SLC2A9-related condition.

Allele frequency attached by ClinVar (database versions not stated): TOPMed 0.00001; ExAC 0.00002; gnomAD 0.00002; 1000 Genomes Project 0.00020; 1000 Genomes Project 30x 0.00031.
gnomAD v4.1: 12 of 1,613,724 alleles (0.00074%); highest among the groups gnomAD compares: Admixed American, 0.02%; no homozygotes.

Submissions (2):

PreventionGenetics, part of Exact Sciences
Classification: Uncertain significance for SLC2A9-related condition. Last evaluated: 2025-08-15. Review status: criteria provided, single submitter. Criteria: ACMG Guidelines, 2015. Collection method: clinical testing. Allele origin: germline.
Comment: The SLC2A9 c.403C>A variant is predicted to result in the amino acid substitution p.Leu135Ile. To our knowledge, this variant has not been reported in the literature. This variant is reported in 0.023% of alleles in individuals of Latino descent in gnomAD. At this time, the clinical significance of this variant is uncertain due to the absence of conclusive functional and genetic evidence.

Labcorp Genetics (formerly Invitae), Labcorp
Classification: Uncertain significance. Last evaluated: 2024-01-24. Review status: criteria provided, single submitter. Criteria: Invitae Variant Classification Sherloc (09022015). Collection method: clinical testing. Allele origin: germline.
Comment: This sequence change replaces leucine, which is neutral and non-polar, with isoleucine, which is neutral and non-polar, at codon 135 of the SLC2A9 protein (p.Leu135Ile). This variant is present in population databases (rs200013912, gnomAD 0.03%). This variant has not been reported in the literature in individuals affected with SLC2A9-related conditions. ClinVar contains an entry for this variant (Variation ID: 1897759). Algorithms developed to predict the effect of missense changes on protein structure and function output the following: SIFT: "Not Available"; PolyPhen-2: "Benign"; Align-GVGD: "Not Available". The isoleucine amino acid residue is found in multiple mammalian species, which suggests that this missense change does not adversely affect protein function. In summary, the available evidence is currently insufficient to determine the role of this variant in disease. Therefore, it has been classified as a Variant of Uncertain Significance.